The following is an entry in ClinVar:

ClinVar aggregate classification (germline): Uncertain significance (1 of 4 stars; one submission).

Conditions:
Inborn genetic diseases. Identifiers: MedGen C0950123, MeSH D030342.

Allele frequency attached by ClinVar (database versions not stated): gnomAD 0.00001.
gnomAD v4.1: 33 of 1,613,960 alleles (0.002%); highest among the groups gnomAD compares: Non-Finnish European, 0.0027%; no homozygotes.

Submission:

Ambry Genetics
Classification: Uncertain significance for Inborn genetic diseases. Last evaluated: 2024-03-30. Review status: criteria provided, single submitter. Criteria: Ambry Variant Classification Scheme 2023. Collection method: clinical testing. Allele origin: germline.
Comment: The p.E49Q variant (also known as c.145G>C), located in coding exon 1 of the LRRK2 gene, results from a G to C substitution at nucleotide position 145. The glutamic acid at codon 49 is replaced by glutamine, an amino acid with highly similar properties. This amino acid position is conserved. In addition, this alteration is predicted to be tolerated by in silico analysis. Since supporting evidence is limited at this time, the clinical significance of this alteration remains unclear.

NM_198578.4(LRRK2):c.145G>C (p.Glu49Gln)

Gene: LRRK2 (leucine rich repeat kinase 2; plus strand). Cytogenetic location: 12q12.
Variant type: single nucleotide variant.
Coding change: c.145G>C on transcript NM_198578.4 (MANE Select); coding-DNA position 145, G replaced by C.
Protein change: p.Glu49Gln; replaces glutamic acid 49 with glutamine.
Molecular consequence: missense variant.
Genome position (GRCh38, 1-based): chr12:40,225,276, G>C. VCF-style: chr12-40225276-G-C. GRCh37 (hg19) VCF-style: chr12-40619078-G-C.
Other names: short protein forms E49Q.
Identifiers: ClinVar variation 1773134 (VCV001773134.3), dbSNP rs781237537, ClinGen allele CA6512983.